The following is an entry in ClinVar:

NM_001100.4(ACTA1):c.137T>C (p.Met46Thr)

Gene: ACTA1 (actin alpha 1, skeletal muscle; minus strand). Cytogenetic location: 1q42.13.
Variant type: single nucleotide variant.
Coding change: c.137T>C on transcript NM_001100.4 (MANE Select); coding-DNA position 137, T replaced by C.
Protein change: p.Met46Thr; replaces methionine 46 with threonine.
Molecular consequence: missense variant.
Genome position (GRCh38, 1-based): chr1:229,432,873, A>G on the plus strand (T>C on the coding strand, the complement: ACTA1 is on the minus strand). VCF-style: chr1-229432873-A-G. GRCh37 (hg19) VCF-style: chr1-229568620-A-G.
Other names: short protein forms M46T.
Identifiers: ClinVar variation 381642 (VCV000381642.8), dbSNP rs1057521120, ClinGen allele CA16603510.

ClinVar aggregate classification (germline): Pathogenic/Likely pathogenic. Review status: criteria provided, multiple submitters, no conflicts (2 of 4 stars). 3 submissions from 3 submitters: Pathogenic (1); Likely pathogenic (2). Last evaluated 2023-11-22.

Conditions:
Progressive scapulohumeroperoneal distal myopathy. Also called: Myopathy, scapulohumeroperoneal. Identifiers: Orphanet 447977, MedGen C4225181, MONDO:0014800, OMIM 616852.
Actin accumulation myopathy (CMYO2A). Also called: CONGENITAL MYOPATHY 2A, TYPICAL, AUTOSOMAL DOMINANT; Myopathy, actin, congenital, with cores; Nemaline myopathy 3, with intranuclear rods; Nemaline myopathy type 3; Myopathy, actin, congenital, with excess of thin myofilaments. Identifiers: Orphanet 98904, MedGen C3711389, MONDO:0008070, OMIM 161800.

Submissions (3):

3billion
Classification: Likely pathogenic for Progressive scapulohumeroperoneal distal myopathy. Last evaluated: 2023-11-22. Review status: criteria provided, single submitter. Criteria: ACMG Guidelines, 2015. Collection method: clinical testing. Allele origin: germline. Affected: yes.
Comment: The variant is not observed in the gnomAD v2.1.1 dataset. Predicted Consequence/Location: Missense changes are a common disease-causing mechanism. In silico tool predictions suggest damaging effect of the variant on gene or gene product [REVEL: 0.86 (>=0.6, sensitivity 0.68 and specificity 0.92); 3Cnet: 0.95 (>=0.6, sensitivity 0.72 and precision 0.9)]. Same nucleotide change resulting in same amino acid change has been previously reported as pathogenic/likely pathogenic with strong evidence (ClinVar ID: VCV000381642 /PMID: 19562689). Therefore, this variant is classified as Likely pathogenic according to the recommendation of ACMG/AMP guideline.

Labcorp Genetics (formerly Invitae), Labcorp
Classification: Pathogenic for Actin accumulation myopathy. Last evaluated: 2022-08-26. Review status: criteria provided, single submitter. Criteria: Invitae Variant Classification Sherloc (09022015). Collection method: clinical testing. Allele origin: germline.
Comment: For these reasons, this variant has been classified as Pathogenic. Advanced modeling of protein sequence and biophysical properties (such as structural, functional, and spatial information, amino acid conservation, physicochemical variation, residue mobility, and thermodynamic stability) performed at Invitae indicates that this missense variant is expected to disrupt ACTA1 protein function. ClinVar contains an entry for this variant (Variation ID: 381642). This variant is also known as p.M44T. This missense change has been observed in individual(s) with autosomal dominant nemaline myopathy (PMID: 19562689). In at least one individual the variant was observed to be de novo. This variant is not present in population databases (gnomAD no frequency). This sequence change replaces methionine, which is neutral and non-polar, with threonine, which is neutral and polar, at codon 46 of the ACTA1 protein (p.Met46Thr).

GeneDx
Classification: Likely pathogenic. Last evaluated: 2017-02-01. Review status: criteria provided, single submitter. Criteria: GeneDx Variant Classification (06012015). Collection method: clinical testing. Allele origin: germline. Affected: yes.
Comment: The M46T variant in the ACTA1 gene has been reported previously using alternate nomenclature (M44T) in association with nemaline myopathy (Laing et al., 2009). The M46T variant was not observed in approximately 6,500 individuals of European and African American ancestry in the NHLBI Exome Sequencing Project, indicating it is not a common benign variant in these populations. The M46T variant is a non-conservative amino acid substitution, which is likely to impact secondary protein structure as these residues differ in polarity, charge, size and/or other properties. In addition, this substitution occurs at a position that is conserved across species, and in silico analysis predicts this variant is probably damaging to the protein structure/function. Missense variants in nearby residues (H42Y, Q43R, G44V, V45F, G48S, G48C, G48D, M49V, and G50C) have been reported in the Human Gene Mutation Database in association with ACTA1-related myopathies (Stenson et al., 2014), supporting the functional importance of this region of the protein. The M46T variant is a strong candidate for a pathogenic variant, however the possibility it may be a rare benign variant cannot be excluded.

Literature cited by the submitters: PubMed 19562689 (cited by 3billion and Labcorp Genetics (formerly Invitae), Labcorp).